The following is an entry in ClinVar:

ClinVar aggregate classification (germline): Uncertain significance. Review status: criteria provided, multiple submitters, no conflicts (2 of 4 stars). 4 submissions from 4 submitters: Uncertain significance (4). Last evaluated 2025-10-15.

Conditions:
RYR1-related disorder. Also called: RYR1-related disorders; RYR1-related condition. Identifiers: MedGen CN239331.
Malignant hyperthermia, susceptibility to, 1 (MHS1). Also called: RYR1-Related Malignant Hyperthermia Susceptibility; Malignant hyperthermia suceptibility 1; Anesthesia related hyperthermia; Malignant hyperpyrexia; Fulminating hyperpyrexia; Pharmacogenic myopathy. Identifiers: Orphanet 423, MedGen C2930980, MONDO:0007783, OMIM 145600.

gnomAD v4.1: 7 of 1,612,926 alleles (0.00043%); highest among the groups gnomAD compares: Non-Finnish European, 0.00059%; no homozygotes.

Submissions (4):

GeneDx
Classification: Uncertain significance. Last evaluated: 2025-10-15. Review status: criteria provided, single submitter. Criteria: GeneDx Variant Classification Process June 2021. Collection method: clinical testing. Allele origin: germline. Affected: yes.
Comment: Not observed at significant frequency in large population cohorts (gnomAD); In silico analysis supports that this missense variant has a deleterious effect on protein structure/function; Has not been previously published as pathogenic or benign to our knowledge

All of Us Research Program, National Institutes of Health
Classification: Uncertain significance for Malignant hyperthermia, susceptibility to, 1. Last evaluated: 2024-08-13. Review status: criteria provided, single submitter. Criteria: ACMG Guidelines, 2015. Collection method: clinical testing. Allele origin: germline. Inheritance: Autosomal dominant inheritance. Observed: 1 variant allele, 1 heterozygote.
Comment: This missense variant replaces isoleucine with methionine at codon 886 of the RYR1 protein. Computational prediction is inconclusive regarding the impact of this variant on protein structure and function (internally defined REVEL score threshold 0.5 < inconclusive < 0.7, PMID: 27666373). To our knowledge, functional studies have not been reported for this variant. This variant has not been reported in individuals affected with RYR1-related disorders in the literature. This variant has not been identified in the general population by the Genome Aggregation Database (gnomAD). The available evidence is insufficient to determine the role of this variant in disease conclusively. Therefore, this variant is classified as a Variant of Uncertain Significance.

This study involves interpretation of variants in research participants for the purpose of population health screening. Participant phenotype was not available at the time of variant classification. Additional details can be found in publication PMID: 35346344, PMCID: PMC8962531

Revvity Omics, Revvity
Classification: Uncertain significance. Last evaluated: 2024-04-10. Review status: criteria provided, single submitter. Criteria: ACMG Guidelines, 2015. Collection method: clinical testing. Allele origin: germline.

Labcorp Genetics (formerly Invitae), Labcorp
Classification: Uncertain significance for RYR1-related disorder. Last evaluated: 2023-12-28. Review status: criteria provided, single submitter. Criteria: Invitae Variant Classification Sherloc (09022015). Collection method: clinical testing. Allele origin: germline.
Comment: This sequence change replaces isoleucine, which is neutral and non-polar, with methionine, which is neutral and non-polar, at codon 886 of the RYR1 protein (p.Ile886Met). This variant is not present in population databases (gnomAD no frequency). This variant has not been reported in the literature in individuals affected with RYR1-related conditions. ClinVar contains an entry for this variant (Variation ID: 2196254). Advanced modeling of protein sequence and biophysical properties (such as structural, functional, and spatial information, amino acid conservation, physicochemical variation, residue mobility, and thermodynamic stability) performed at Invitae indicates that this missense variant is not expected to disrupt RYR1 protein function with a negative predictive value of 95%. In summary, the available evidence is currently insufficient to determine the role of this variant in disease. Therefore, it has been classified as a Variant of Uncertain Significance.

NM_000540.3(RYR1):c.2658C>G (p.Ile886Met)

Gene: RYR1 (ryanodine receptor 1; plus strand). Cytogenetic location: 19q13.2.
Variant type: single nucleotide variant.
Coding change: c.2658C>G on transcript NM_000540.3 (MANE Select); coding-DNA position 2658, C replaced by G.
Protein change: p.Ile886Met; replaces isoleucine 886 with methionine.
Molecular consequence: missense variant.
Genome position (GRCh38, 1-based): chr19:38,463,503, C>G. VCF-style: chr19-38463503-C-G. GRCh37 (hg19) VCF-style: chr19-38954143-C-G.
Other names: c.2658C>G, p.Ile886Met (NM_001042723.2); short protein forms I886M.
Identifiers: ClinVar variation 2196254 (VCV002196254.8), dbSNP rs148094797, ClinGen allele CA405632058.